The following is an entry in ClinVar:

ClinVar aggregate classification (germline): Uncertain significance (1 of 4 stars; one submission).

gnomAD v4.1: 4 of 1,613,446 alleles (0.00025%); highest among the groups gnomAD compares: Non-Finnish European, 0.00034%; no homozygotes.

Submission:

GeneDx
Classification: Uncertain significance. Last evaluated: 2023-05-23. Review status: criteria provided, single submitter. Criteria: GeneDx Variant Classification Process June 2021. Collection method: clinical testing. Allele origin: germline. Affected: yes.
Comment: Not observed at significant frequency in large population cohorts (gnomAD); In silico analysis supports that this missense variant does not alter protein structure/function; Has not been previously published as pathogenic or benign to our knowledge

NM_032608.7(MYO18B):c.1234A>G (p.Thr412Ala)

Gene: MYO18B (myosin XVIIIB; plus strand). Cytogenetic location: 22q12.1.
Variant type: single nucleotide variant.
Coding change: c.1234A>G on transcript NM_032608.7 (MANE Select); coding-DNA position 1234, A replaced by G.
Protein change: p.Thr412Ala; replaces threonine 412 with alanine.
Molecular consequence: missense variant.
Genome position (GRCh38, 1-based): chr22:25,769,150, A>G. VCF-style: chr22-25769150-A-G. GRCh37 (hg19) VCF-style: chr22-26165117-A-G.
Other names: c.1234A>G, p.Thr412Ala (NM_001318245.2); short protein forms T412A.
Identifiers: ClinVar variation 3343732 (VCV003343732.1).